The following is an entry in ClinVar:

NM_002210.5(ITGAV):c.2771G>A (p.Ser924Asn)

Genes: FAM171B-AS1 (FAM171B and ITGAV antisense RNA 1; minus strand), ITGAV (integrin subunit alpha V; plus strand). Cytogenetic location: 2q32.1.
Variant type: single nucleotide variant.
Coding change: c.2771G>A on transcript NM_002210.5 (MANE Select); coding-DNA position 2771, G replaced by A.
Protein change: p.Ser924Asn; replaces serine 924 with asparagine.
Molecular consequence: missense variant.
Genome position (GRCh38, 1-based): chr2:186,675,668, G>A. VCF-style: chr2-186675668-G-A. GRCh37 (hg19) VCF-style: chr2-187540395-G-A.
Other names: c.2633G>A, p.Ser878Asn (NM_001144999.3); c.2663G>A, p.Ser888Asn (NM_001145000.3); short protein forms S878N, S888N, S924N.
Identifiers: ClinVar variation 5016844 (VCV005016844.1).

ClinVar aggregate classification (germline): Uncertain significance (1 of 4 stars; one submission).

gnomAD v4.1: 2,011 of 1,614,064 alleles (0.12%); highest among the groups gnomAD compares: Non-Finnish European, 0.13%; 4 homozygotes.

Submission:

GeneDx
Classification: Uncertain significance. Last evaluated: 2024-08-23. Review status: criteria provided, single submitter. Criteria: GeneDx Variant Classification Process June 2021. Collection method: clinical testing. Allele origin: germline.
Comment: In silico analysis indicates that this missense variant does not alter protein structure/function; Has not been previously published as pathogenic or benign to our knowledge; Variants in candidate genes are classified as variants of uncertain significance in accordance with ACMG guidelines (PMID: 25741868)